The following is an entry in ClinVar:

ClinVar aggregate classification (germline): Benign. Review status: criteria provided, multiple submitters, no conflicts (2 of 4 stars). 2 submissions from 2 submitters: Benign (2). Last evaluated 2019-08-22.

Allele frequency attached by ClinVar (database versions not stated): ESP Exome Variant Server 0.00008; gnomAD 0.00194 and 0.00282; gnomAD exomes 0.00274 and 0.00580; TOPMed 0.00296; 1000 Genomes Project 30x 0.01359; 1000 Genomes Project 0.01458; ExAC 0.00537.
gnomAD v4.1: 4,380 of 1,614,032 alleles (0.27%); highest among the groups gnomAD compares: East Asian, 9.4%; 216 homozygotes.

Submissions (2):

GeneDx
Classification: Benign. Last evaluated: 2019-08-22. Review status: criteria provided, single submitter. Criteria: GeneDx Variant Classification Process June 2021. Collection method: clinical testing. Allele origin: germline. Affected: yes.
Comment: This variant is associated with the following publications: (PMID: 29722023)

Breakthrough Genomics
Classification: Benign. Review status: criteria provided, single submitter. Criteria: ACMG Guidelines, 2015. Collection method: not provided. Allele origin: germline. Inheritance: Unknown mechanism. Affected: yes.

NM_057169.5(GIT2):c.1160A>G (p.Asn387Ser)

Gene: GIT2 (GIT ArfGAP 2; minus strand). Cytogenetic location: 12q24.11.
Variant type: single nucleotide variant.
Coding change: c.1160A>G on transcript NM_057169.5 (MANE Select); coding-DNA position 1160, A replaced by G.
Protein change: p.Asn387Ser; replaces asparagine 387 with serine.
Molecular consequence: missense variant.
Genome position (GRCh38, 1-based): chr12:109,953,174, T>C on the plus strand (A>G on the coding strand, the complement: GIT2 is on the minus strand). VCF-style: chr12-109953174-T-C. GRCh37 (hg19) VCF-style: chr12-110390979-T-C.
Other names: c.1166A>G, p.Asn389Ser (NM_001135213.3); c.1160A>G, p.Asn387Ser (NM_001135214.3, NM_001330154.2, NM_014776.5 and 2 more transcripts); c.1157A>G, p.Asn386Ser (NM_001330153.2); short protein forms N386S, N387S, N389S.
Identifiers: ClinVar variation 1287689 (VCV001287689.2), dbSNP rs925368, ClinGen allele CA6781800.